The following is an entry in ClinVar:

ClinVar aggregate classification (germline): Uncertain significance. Review status: criteria provided, multiple submitters, no conflicts (2 of 4 stars). 2 submissions from 2 submitters: Uncertain significance (2). Last evaluated 2024-02-26.

Conditions:
Inborn genetic diseases. Identifiers: MedGen C0950123, MeSH D030342.

Allele frequency attached by ClinVar (database versions not stated): gnomAD exomes below 0.00001; TOPMed below 0.00001.
gnomAD v4.1: 1 of 1,614,140 alleles (0.000062%); highest among the groups gnomAD compares: Admixed American, 0.0017%; no homozygotes.

Submissions (2):

Labcorp Genetics (formerly Invitae), Labcorp
Classification: Uncertain significance. Last evaluated: 2024-02-26. Review status: criteria provided, single submitter. Criteria: Invitae Variant Classification Sherloc (09022015). Collection method: clinical testing. Allele origin: germline.
Comment: This sequence change replaces serine, which is neutral and polar, with cysteine, which is neutral and slightly polar, at codon 125 of the ATP6V1A protein (p.Ser125Cys). This variant is present in population databases (no rsID available, gnomAD 0.003%). This variant has not been reported in the literature in individuals affected with ATP6V1A-related conditions. ClinVar contains an entry for this variant (Variation ID: 2416521). Advanced modeling of protein sequence and biophysical properties (such as structural, functional, and spatial information, amino acid conservation, physicochemical variation, residue mobility, and thermodynamic stability) performed at Invitae indicates that this missense variant is not expected to disrupt ATP6V1A protein function with a negative predictive value of 80%. In summary, the available evidence is currently insufficient to determine the role of this variant in disease. Therefore, it has been classified as a Variant of Uncertain Significance.

Ambry Genetics
Classification: Uncertain significance for Inborn genetic diseases. Last evaluated: 2023-02-15. Review status: criteria provided, single submitter. Criteria: Ambry Variant Classification Scheme 2023. Collection method: clinical testing. Allele origin: germline.

NM_001690.4(ATP6V1A):c.374C>G (p.Ser125Cys)

Gene: ATP6V1A (ATPase H+ transporting V1 subunit A; plus strand). Cytogenetic location: 3q13.31.
Variant type: single nucleotide variant.
Coding change: c.374C>G on transcript NM_001690.4 (MANE Select); coding-DNA position 374, C replaced by G.
Protein change: p.Ser125Cys; replaces serine 125 with cysteine.
Molecular consequence: missense variant.
Genome position (GRCh38, 1-based): chr3:113,784,386, C>G. VCF-style: chr3-113784386-C-G. GRCh37 (hg19) VCF-style: chr3-113503233-C-G.
Other names: c.374C>G (NM_001690.3); short protein forms S125C.
Identifiers: ClinVar variation 2416521 (VCV002416521.8), dbSNP rs1221880124, ClinGen allele CA354008473.